The following is an entry in ClinVar:

ClinVar aggregate classification (germline): Likely benign (1 of 4 stars; one submission).

Submission:

CeGaT Center for Human Genetics Tuebingen
Classification: Likely benign. Last evaluated: 2026-08-01. Review status: criteria provided, single submitter. Criteria: CeGaT Center For Human Genetics Tuebingen Variant Classification Criteria Version 2. Collection method: clinical testing. Allele origin: germline. Affected: yes. Observed: 4 variant alleles.
Comment: ST3GAL3: PM2:Supporting, BP4, BP7

NM_006279.5(ST3GAL3):c.774G>T (p.Val258=)

Gene: ST3GAL3 (ST3 beta-galactoside alpha-2,3-sialyltransferase 3; plus strand). Cytogenetic location: 1p34.1.
Variant type: single nucleotide variant.
Coding change: c.774G>T on transcript NM_006279.5 (MANE Select); coding-DNA position 774, G replaced by T.
Protein change: p.Val258=; no amino-acid change (valine 258 retained).
Molecular consequence: synonymous variant. On other transcripts: non-coding transcript variant (6), intron variant (12).
Genome position (GRCh38, 1-based): chr1:43,920,433, G>T. VCF-style: chr1-43920433-G-T. GRCh37 (hg19) VCF-style: chr1-44386105-G-T.
Other names: c.681G>T, p.Val227= (NM_001270460.2); c.819G>T, p.Val273= (NM_001350619.2, NM_174964.4); c.774G>T, p.Val258= (NM_001350620.2); c.495G>T, p.Val165= (NM_001350621.2); c.726G>T, p.Val242= (NM_001410781.1, NM_174969.4); c.981G>T, p.Val327= (NM_174963.5); c.936G>T, p.Val312= (NM_174968.5); c.888G>T, p.Val296= (NM_174971.5); and 12 more.
Identifiers: ClinVar variation 5039827 (VCV005039827.1).